The following is an entry in ClinVar:

ClinVar aggregate classification (germline): Conflicting classifications of pathogenicity. Review status: criteria provided, conflicting classifications (1 of 4 stars). 5 submissions from 5 submitters: Uncertain significance (4); Likely benign (1). Last evaluated 2026-06-23.

Conditions:
Deafness, X-linked 5 (DFNX5). Also called: DEAFNESS, X-LINKED 5, WITH PERIPHERAL NEUROPATHY; AUDITORY NEUROPATHY, X-LINKED, 1, WITH PERIPHERAL SENSORY NEUROPATHY. Identifiers: Orphanet 139583, MedGen C1845095, OMIM 300614.
Charcot-Marie-Tooth disease X-linked recessive 4 (CMTX4). Also called: CHARCOT-MARIE-TOOTH DISEASE, X-LINKED RECESSIVE, 4, WITH OR WITHOUT CEREBELLAR ATAXIA; Cowchock syndrome; CHARCOT-MARIE-TOOTH DISEASE WITH DEAFNESS AND MENTAL RETARDATION. Identifiers: Orphanet 101078, MedGen C0795910, MONDO:0010689, OMIM 310490.
Spondyloepimetaphyseal dysplasia, Bieganski type. Also called: SEMD X-linked with mental deterioration; Leukoencephalopathy with metaphyseal chondrodysplasia; Spondyloepimetaphyseal dysplasia, X-linked, with hypomyelinating leukodystrophy. Identifiers: Orphanet 168448, Orphanet 83629, MedGen C1846148, MONDO:0010275, OMIM 300232.
Severe X-linked mitochondrial encephalomyopathy. Also called: ENCEPHALOMYOPATHY, MITOCHONDRIAL, X-LINKED. Identifiers: Orphanet 238329, MedGen C3151753, MONDO:0010437, OMIM 300816.
Combined oxidative phosphorylation deficiency. Identifiers: MedGen C4540031, MONDO:0000732.
Charcot-Marie-Tooth Neuropathy X. Identifiers: MedGen CN118851.
Inborn genetic diseases. Identifiers: MedGen C0950123, MeSH D030342.

Allele frequency attached by ClinVar (database versions not stated): gnomAD exomes 0.00001.
gnomAD v4.1: 10 of 1,211,863 alleles (0.00083%); highest among the groups gnomAD compares: Admixed American, 0.0022%; no homozygotes.

Submissions (5):

Ambry Genetics
Classification: Likely benign for Inborn genetic diseases. Last evaluated: 2026-06-23. Review status: criteria provided, single submitter. Criteria: Ambry Variant Classification Scheme 2023. Collection method: clinical testing. Allele origin: germline.

Women's Health and Genetics/Laboratory Corporation of America, LabCorp
Classification: Uncertain significance. Last evaluated: 2025-07-17. Review status: criteria provided, single submitter. Criteria: LabCorp Variant Classification Summary - May 2015. Collection method: clinical testing. Allele origin: germline.
Comment: Variant summary: AIFM1 c.1693A>G (p.Ile565Val) results in a conservative amino acid change in the encoded protein sequence. Algorithms developed to predict the effect of missense changes on protein structure and function are either unavailable or do not agree on the potential impact of this missense change. The variant allele was found at a frequency of 5.5e-06 in 183482 control chromosomes. The available data on variant occurrences in the general population are insufficient to allow any conclusion about variant significance. To our knowledge, no occurrence of c.1693A>G in individuals affected with Charcot-Marie-Tooth disease X-linked recessive 4 and no experimental evidence demonstrating its impact on protein function have been reported. ClinVar contains an entry for this variant (Variation ID: 642792). Based on the evidence outlined above, the variant was classified as uncertain significance.

Labcorp Genetics (formerly Invitae), Labcorp
Classification: Uncertain significance for Charcot-Marie-Tooth Neuropathy X; Combined oxidative phosphorylation deficiency. Last evaluated: 2023-03-07. Review status: criteria provided, single submitter. Criteria: Invitae Variant Classification Sherloc (09022015). Collection method: clinical testing. Allele origin: germline.
Comment: This variant is present in population databases (no rsID available, gnomAD 0.004%). This sequence change replaces isoleucine, which is neutral and non-polar, with valine, which is neutral and non-polar, at codon 565 of the AIFM1 protein (p.Ile565Val). This variant has not been reported in the literature in individuals affected with AIFM1-related conditions. In summary, the available evidence is currently insufficient to determine the role of this variant in disease. Therefore, it has been classified as a Variant of Uncertain Significance. Advanced modeling of protein sequence and biophysical properties (such as structural, functional, and spatial information, amino acid conservation, physicochemical variation, residue mobility, and thermodynamic stability) performed at Invitae indicates that this missense variant is not expected to disrupt AIFM1 protein function. ClinVar contains an entry for this variant (Variation ID: 642792).

Mayo Clinic Laboratories, Mayo Clinic
Classification: Uncertain significance. Last evaluated: 2022-09-22. Review status: criteria provided, single submitter. Criteria: ACMG Guidelines, 2015. Collection method: clinical testing. Allele origin: germline. Observed: 1 variant allele.
Comment: BP4, PM2

Fulgent Genetics
Classification: Uncertain significance for Spondyloepimetaphyseal dysplasia, Bieganski type; Deafness, X-linked 5; Severe X-linked mitochondrial encephalomyopathy; Charcot-Marie-Tooth disease X-linked recessive 4. Last evaluated: 2022-04-25. Review status: criteria provided, single submitter. Criteria: ACMG Guidelines, 2015. Collection method: clinical testing. Allele origin: unknown.

NM_004208.4(AIFM1):c.1693A>G (p.Ile565Val)

Genes: AIFM1 (apoptosis inducing factor mitochondria associated 1; minus strand), RAB33A (RAB33A, member RAS oncogene family; plus strand). Cytogenetic location: Xq26.1.
Variant type: single nucleotide variant.
Coding change: c.1693A>G on transcript NM_004208.4 (MANE Select); coding-DNA position 1693, A replaced by G.
Protein change: p.Ile565Val; replaces isoleucine 565 with valine.
Molecular consequence: missense variant. On other transcripts: 3 prime UTR variant (1), non-coding transcript variant (1).
Genome position (GRCh38, 1-based): chrX:130,130,047, T>C on the plus strand (A>G on the coding strand, the complement: AIFM1 is on the minus strand). VCF-style: chrX-130130047-T-C. GRCh37 (hg19) VCF-style: chrX-129264022-T-C.
Other names: p.Ile565Val; c.676A>G, p.Ile226Val (NM_001130846.4); c.*921A>G (NM_001130847.4); c.1681A>G, p.Ile561Val (NM_145812.3); short protein forms I561V, I565V, I226V.
Identifiers: ClinVar variation 642792 (VCV000642792.15), dbSNP rs1375125488, ClinGen allele CA414568210.